The following is an entry in ClinVar:

ClinVar aggregate classification (germline): Uncertain significance. Review status: criteria provided, multiple submitters, no conflicts (2 of 4 stars). 4 submissions from 4 submitters: Uncertain significance (4). Last evaluated 2026-01-06.

Conditions:
Hereditary cancer-predisposing syndrome. Also called: Neoplastic Syndromes, Hereditary; Tumor predisposition; Hereditary neoplastic syndrome; Hereditary Cancer Syndrome. Identifiers: Orphanet 140162, MedGen C0027672, MeSH D009386, MONDO:0015356.
Familial cancer of breast. Also called: BREAST CANCER, FAMILIAL; Hereditary breast cancer; hereditary breast carcinoma. Identifiers: Orphanet 227535, MedGen C0346153, MONDO:0016419, OMIM 114480. Disease mechanism: loss of function.

Allele frequency attached by ClinVar (database versions not stated): TOPMed below 0.00001.
gnomAD v4.1: 1 of 1,614,174 alleles (0.000062%); no homozygotes.

Submissions (4):

Labcorp Genetics (formerly Invitae), Labcorp
Classification: Uncertain significance for Familial cancer of breast. Last evaluated: 2026-01-06. Review status: criteria provided, single submitter. Criteria: Invitae Variant Classification Sherloc (09022015). Collection method: clinical testing. Allele origin: germline.
Comment: This sequence change replaces serine, which is neutral and polar, with cysteine, which is neutral and slightly polar, at codon 701 of the PALB2 protein (p.Ser701Cys). This variant is not present in population databases (gnomAD no frequency). This variant has not been reported in the literature in individuals affected with PALB2-related conditions. ClinVar contains an entry for this variant (Variation ID: 629312). Invitae Evidence Modeling of protein sequence and biophysical properties (such as structural, functional, and spatial information, amino acid conservation, physicochemical variation, residue mobility, and thermodynamic stability) has been performed for this missense variant. However, the output from this modeling did not meet the statistical confidence thresholds required to predict the impact of this variant on PALB2 protein function. In summary, the available evidence is currently insufficient to determine the role of this variant in disease. Therefore, it has been classified as a Variant of Uncertain Significance.

Ambry Genetics
Classification: Uncertain significance for Hereditary cancer-predisposing syndrome. Last evaluated: 2025-06-06. Review status: criteria provided, single submitter. Criteria: Ambry Variant Classification Scheme 2023. Collection method: clinical testing. Allele origin: germline.
Comment: The p.S701C variant (also known as c.2102C>G), located in coding exon 5 of the PALB2 gene, results from a C to G substitution at nucleotide position 2102. The serine at codon 701 is replaced by cysteine, an amino acid with dissimilar properties. This amino acid position is well conserved in available vertebrate species. In addition, this alteration is predicted to be tolerated by in silico analysis. Since supporting evidence is limited at this time, the clinical significance of this alteration remains unclear.

Quest Diagnostics Nichols Institute San Juan Capistrano
Classification: Uncertain significance. Last evaluated: 2025-03-26. Review status: criteria provided, single submitter. Criteria: Quest Diagnostics criteria. Collection method: clinical testing. Allele origin: unknown.
Comment: The PALB2 c.2102C>G (p.Ser701Cys) variant has not been reported in individuals with PALB2-related conditions in the published literature. It also has not been reported in large, multi-ethnic general populations (Genome Aggregation Database). Analysis of this variant using bioinformatics tools for the prediction of the effect of amino acid changes on protein structure and function yielded conflicting predictions that this variant is benign or damaging. Based on the available information, we are unable to determine the clinical significance of this variant.

Color Diagnostics, LLC DBA Color Health
Classification: Uncertain significance for Hereditary cancer-predisposing syndrome. Last evaluated: 2023-12-04. Review status: criteria provided, single submitter. Criteria: ACMG Guidelines, 2015. Collection method: clinical testing. Allele origin: germline.
Comment: This missense variant replaces serine with cysteine at codon 701 of the PALB2 protein. Computational prediction suggests that this variant may not impact protein structure and function (internally defined REVEL score threshold <= 0.5, PMID: 27666373). To our knowledge, functional studies have not been reported for this variant. This variant has not been reported in individuals affected with PALB2-related disorders in the literature. This variant has not been identified in the general population by the Genome Aggregation Database (gnomAD). The available evidence is insufficient to determine the role of this variant in disease conclusively. Therefore, this variant is classified as a Variant of Uncertain Significance.

NM_024675.4(PALB2):c.2102C>G (p.Ser701Cys)

Gene: PALB2 (partner and localizer of BRCA2; minus strand). Cytogenetic location: 16p12.2.
Variant type: single nucleotide variant.
Coding change: c.2102C>G on transcript NM_024675.4 (MANE Select); coding-DNA position 2102, C replaced by G.
Protein change: p.Ser701Cys; replaces serine 701 with cysteine.
Molecular consequence: missense variant.
Genome position (GRCh38, 1-based): chr16:23,630,052, G>C on the plus strand (C>G on the coding strand, the complement: PALB2 is on the minus strand). VCF-style: chr16-23630052-G-C. GRCh37 (hg19) VCF-style: chr16-23641373-G-C.
Other names: short protein forms S701C.
Identifiers: ClinVar variation 629312 (VCV000629312.17), dbSNP rs1429929576, ClinGen allele CA395125791.